The following is an entry in ClinVar:

NM_000147.5(FUCA1):c.212C>T (p.Ala71Val)

Gene: FUCA1 (alpha-L-fucosidase 1; minus strand). Cytogenetic location: 1p36.11.
Variant type: single nucleotide variant.
Coding change: c.212C>T on transcript NM_000147.5 (MANE Select); coding-DNA position 212, C replaced by T.
Protein change: p.Ala71Val; replaces alanine 71 with valine.
Molecular consequence: missense variant.
Genome position (GRCh38, 1-based): chr1:23,868,075, G>A on the plus strand (C>T on the coding strand, the complement: FUCA1 is on the minus strand). VCF-style: chr1-23868075-G-A. GRCh37 (hg19) VCF-style: chr1-24194565-G-A.
Other names: short protein forms A71V.
Identifiers: ClinVar variation 1440424 (VCV001440424.3), dbSNP rs1224396509, ClinGen allele CA339009804.

ClinVar aggregate classification (germline): Uncertain significance (1 of 4 stars; one submission).

Conditions:
Fucosidosis. Also called: ALPHA-L-FUCOSIDASE DEFICIENCY. Identifiers: Orphanet 349, MedGen C0016788, MONDO:0009254, OMIM 230000.

Allele frequency attached by ClinVar (database versions not stated): gnomAD exomes below 0.00001.
gnomAD v4.1: 3 of 1,611,720 alleles (0.00019%); highest among the groups gnomAD compares: Admixed American, 0.005%; no homozygotes.

Submission:

Labcorp Genetics (formerly Invitae), Labcorp
Classification: Uncertain significance for Fucosidosis. Last evaluated: 2022-04-08. Review status: criteria provided, single submitter. Criteria: Invitae Variant Classification Sherloc (09022015). Collection method: clinical testing. Allele origin: germline.
Comment: This sequence change replaces alanine, which is neutral and non-polar, with valine, which is neutral and non-polar, at codon 71 of the FUCA1 protein (p.Ala71Val). This variant is present in population databases (no rsID available, gnomAD 0.003%). This variant has not been reported in the literature in individuals affected with FUCA1-related conditions. Algorithms developed to predict the effect of missense changes on protein structure and function are either unavailable or do not agree on the potential impact of this missense change (SIFT: "Deleterious"; PolyPhen-2: "Probably Damaging"; Align-GVGD: "Class C0"). In summary, the available evidence is currently insufficient to determine the role of this variant in disease. Therefore, it has been classified as a Variant of Uncertain Significance.